The following is an entry in ClinVar:

ClinVar aggregate classification (germline): Uncertain significance (1 of 4 stars; one submission).

Allele frequency attached by ClinVar (database versions not stated): gnomAD exomes below 0.00001; TOPMed below 0.00001.
gnomAD v4.1: 1 of 1,564,386 alleles (0.000064%); highest among the groups gnomAD compares: Admixed American, 0.0019%; no homozygotes.

Submission:

Labcorp Genetics (formerly Invitae), Labcorp
Classification: Uncertain significance. Last evaluated: 2022-05-19. Review status: criteria provided, single submitter. Criteria: Invitae Variant Classification Sherloc (09022015). Collection method: clinical testing. Allele origin: germline.
Comment: This sequence change falls in intron 1 of the COQ2 gene. It does not directly change the encoded amino acid sequence of the COQ2 protein. It affects a nucleotide within the consensus splice site. This variant is present in population databases (no rsID available, gnomAD 0.004%). This variant has not been reported in the literature in individuals affected with COQ2-related conditions. Variants that disrupt the consensus splice site are a relatively common cause of aberrant splicing (PMID: 17576681, 9536098). Algorithms developed to predict the effect of sequence changes on RNA splicing suggest that this variant is not likely to affect RNA splicing. In summary, the available evidence is currently insufficient to determine the role of this variant in disease. Therefore, it has been classified as a Variant of Uncertain Significance.

Literature cited by the submitters: PubMed 17576681; PubMed 9536098.

NM_001358921.2(COQ2):c.253+6T>A

Genes: COQ2 (coenzyme Q2, polyprenyltransferase; minus strand), LOC112997540 (Sharpr-MPRA regulatory region 13773; plus strand). Cytogenetic location: 4q21.23.
Variant type: single nucleotide variant.
Coding change: c.253+6T>A on transcript NM_001358921.2 (MANE Select); 6 bases into the intron after coding-DNA position 253, T replaced by A.
Molecular consequence: intron variant.
Genome position (GRCh38, 1-based): chr4:83,284,506, A>T on the plus strand (T>A on the coding strand, the complement: COQ2 is on the minus strand). VCF-style: chr4-83284506-A-T. GRCh37 (hg19) VCF-style: chr4-84205659-A-T.
Other names: c.403+6T>A (NM_015697.9).
Identifiers: ClinVar variation 1957360 (VCV001957360.3), dbSNP rs1418138043, ClinGen allele CA552794536.